The following is an entry in ClinVar:

NM_000540.3(RYR1):c.1615T>C (p.Phe539Leu)

Gene: RYR1 (ryanodine receptor 1; plus strand). Cytogenetic location: 19q13.2.
Variant type: single nucleotide variant.
Coding change: c.1615T>C on transcript NM_000540.3 (MANE Select); coding-DNA position 1615, T replaced by C.
Protein change: p.Phe539Leu; replaces phenylalanine 539 with leucine.
Molecular consequence: missense variant.
Genome position (GRCh38, 1-based): chr19:38,455,489, T>C. VCF-style: chr19-38455489-T-C. GRCh37 (hg19) VCF-style: chr19-38946129-T-C.
Other names: c.1615T>C (NM_000540.2); c.1615T>C, p.Phe539Leu (NM_001042723.2); short protein forms F539L.
Identifiers: ClinVar variation 133104 (VCV000133104.12), dbSNP rs193922769, ClinGen allele CA024297.
Genomic context (GRCh38, chr19:38,455,489, plus strand): 5'-CTGACACCTCTTCCCCCCTCAGCTTCTCTAATCCGTGGCAATCGTAGCAACTGTGCCCTC[T>C]TCTCCACAAACTTGGACTGGCTGGTCAGCAAGCTGGATCGGCTGGAGGCCTCGTCTGGTA-3'
Protein context (NP_000531.2, residues 529-549): IRGNRSNCAL[Phe539Leu]STNLDWLVSK

ClinVar aggregate classification (germline): Likely pathogenic. Review status: reviewed by expert panel (3 of 4 stars). 4 submissions from 4 submitters: Likely pathogenic (1). 3 of the submissions do not count toward it. Last evaluated 2025-08-01.

Conditions:
RYR1-related disorder. Also called: RYR1-related disorders; RYR1-related condition. Identifiers: MedGen CN239331.
Malignant hyperthermia, susceptibility to, 1 (MHS1). Also called: RYR1-Related Malignant Hyperthermia Susceptibility; Malignant hyperthermia suceptibility 1; Anesthesia related hyperthermia; Malignant hyperpyrexia; Fulminating hyperpyrexia; Pharmacogenic myopathy. Identifiers: Orphanet 423, MedGen C2930980, MONDO:0007783, OMIM 145600.

Submissions (4):

ClinGen Malignant Hyperthermia Susceptibility Variant Curation Expert Panel, ClinGen
Classification: Likely pathogenic for Malignant hyperthermia, susceptibility to, 1. Last evaluated: 2025-08-01. Review status: reviewed by expert panel. Criteria: ClinGen MHS ACMG Specifications V2. Collection method: curation. Allele origin: germline. Inheritance: Autosomal dominant inheritance.
Comment: This pathogenicity assessment is relevant only for malignant hyperthermia susceptibility (MHS) inherited in an autosomal dominant pattern. Variants in RYR1 can also cause other myopathies inherited in an autosomal dominant pattern or in an autosomal recessive pattern. Some of these disorders may predispose individuals to malignant hyperthermia. RYR1 variants may also contribute to a malignant hyperthermia reaction in combination with other genetic and non-genetic factors and the clinician needs to consider such factors in making management decisions. This sequence variant predicts a substitution of phenylalanine with leucine at codon 539 of the RYR1 protein, p.Phe539Leu. This variant was not present in a large population database (gnomAD) at the time this variant was interpreted. This variant has been reported in three individuals with a personal or family history of an MH episode, all of these individuals had a positive in vitro contracture test (IVCT) or caffeine halothane contracture test (CHCT) result (if the proband was unavailable for testing, a positive diagnostic test result in a mutation-positive relative was counted), PS4_Moderate (PMID:30236257, PMID:18564801 (reported two individuals, may be related with shared haplotype)). This variant segregates with MHS with three informative meiosis, PP1_Supporting (PMID:18564801). No functional studies were identified for this variant. This variant resides in a region of RYR1 considered to be a hotspot for pathogenic variants that contribute to MHS, PM1 (PMID: 21118704). A REVEL score >0.85 (0.934) supports a pathogenic status for this variant, PP3_Moderate. This variant has been classified as a Variant of Unknown Significance. Criteria implemented: PS4_Moderate, PM1, PP1_Supporting, PP3_Moderate.

Victorian Clinical Genetics Services, Murdoch Childrens Research Institute
Classification: Likely pathogenic for Malignant hyperthermia, susceptibility to, 1. Last evaluated: 2024-09-23. Review status: criteria provided, single submitter. Criteria: ACMG Guidelines, 2015. Collection method: clinical testing. Allele origin: germline. Inheritance: Autosomal dominant inheritance. Affected: yes. Not counted in ClinVar's aggregate classification.
Comment: Based on the classification scheme VCGS_Germline_v1.3.4, this variant is classified as Likely Pathogenic. Following criteria are met: 0103 - Loss of function and gain of function are known mechanisms of disease in this gene and are associated with RYR1-related disorders (OMIM). Gain of function mechanism has been described in the context of malignant hyperthermia susceptibility 1 (MIM#145600) and autosomal dominant congenital myopathy 1A with susceptibility to malignant hyperthermia (MIM#117000). Autosomal recessive congenital myopathy 1B (MIM#255320) is associated with a loss of function mechanism (PMIDs: 27855725, 23919265). The mechanism of King-Denborough syndrome (MIM#619542) is unclear. (I) 0108 - This gene is associated with both recessive and dominant disease (OMIM). (I) 0200 - Variant is predicted to result in a missense amino acid change from phenylalanine to leucine. (I) 0251 - This variant is heterozygous. (I) 0301 - Variant is absent from gnomAD (both v2 and v3). (SP) 0501 - Missense variant consistently predicted to be damaging by multiple in silico tools or highly conserved with a major amino acid change. (SP) 0602 - Variant is located in a hotspot region or cluster of pathogenic variants. Variants in this region are predominantly associated with MHS (PMID:23919265, PMID:30406384). (SP) 0704 - Another missense variant comparable to the one identified in this case has limited previous evidence for pathogenicity. p.(Phe539Val) has been classified as likely pathogenic by an expert panel (ClinVar). (SP) 0801 - This variant has strong previous evidence of pathogenicity in unrelated individuals. This variant has been identified in individuals with clinically confirmed malignant hyperthermia susceptibility (MHS) (PMID:18564801, PMID:30236257) and has been classified as likely pathogenic by an expert panel (ClinVar) and by the European Malignant Hyperthermia Group. (SP) 0901 - This variant has strong evidence for segregation with disease. This variant has shown to segregate in six individual’s from two unrelated families with positive IVCT results (Malignant Hyperthermia Diagnostic Unit, RMH). (I) Legend: (SP) - Supporting pathogenic, (I) - Information, (SB) - Supporting benign

Labcorp Genetics (formerly Invitae), Labcorp
Classification: Pathogenic for RYR1-related disorder. Last evaluated: 2020-01-29. Review status: criteria provided, single submitter. Criteria: Invitae Variant Classification Sherloc (09022015). Collection method: clinical testing. Allele origin: germline. Not counted in ClinVar's aggregate classification.
Comment: This variant has been observed in individual(s) with malignant hyperthermia (PMID: 18564801). ClinVar contains an entry for this variant (Variation ID: 133104). For these reasons, this variant has been classified as Pathogenic. This missense change is located in a region of the RYR1 protein where a significant number of previously reported RYR1 missense mutations are found (PMID: 16084090). These observations suggest that this may be a clinically significant region of the protein. Advanced modeling of protein sequence and biophysical properties (such as structural, functional, and spatial information, amino acid conservation, physicochemical variation, residue mobility, and thermodynamic stability) performed at Invitae indicates that this missense variant is expected to disrupt RYR1 protein function. This variant is not present in population databases (ExAC no frequency). This sequence change replaces phenylalanine with leucine at codon 539 of the RYR1 protein (p.Phe539Leu). The phenylalanine residue is highly conserved and there is a small physicochemical difference between phenylalanine and leucine.

RYR1 database
No classification provided. Review status: no classification provided. Collection method: not provided. Allele origin: unknown. Not counted in ClinVar's aggregate classification.

Literature cited by the submitters: PubMed 18564801 (cited by Victorian Clinical Genetics Services, Murdoch Childrens Research Institute and Labcorp Genetics (formerly Invitae), Labcorp); PubMed 23919265 (cited by Victorian Clinical Genetics Services, Murdoch Childrens Research Institute); PubMed 27855725 (cited by Victorian Clinical Genetics Services, Murdoch Childrens Research Institute); PubMed 30236257 (cited by Victorian Clinical Genetics Services, Murdoch Childrens Research Institute); PubMed 30406384 (cited by Victorian Clinical Genetics Services, Murdoch Childrens Research Institute); PubMed 33767344 (cited by Victorian Clinical Genetics Services, Murdoch Childrens Research Institute); PubMed 16084090 (cited by Labcorp Genetics (formerly Invitae), Labcorp).